The following is an entry in ClinVar:

ClinVar aggregate classification (germline): Conflicting classifications of pathogenicity. Review status: criteria provided, conflicting classifications (1 of 4 stars). 3 submissions from 3 submitters: Uncertain significance (2); Likely benign (1). Last evaluated 2024-03-07.

Conditions:
Inborn genetic diseases. Identifiers: MedGen C0950123, MeSH D030342.

Allele frequency attached by ClinVar (database versions not stated): 1000 Genomes Project 30x 0.00016; 1000 Genomes Project 0.00020; ExAC 0.00024; ESP Exome Variant Server 0.00031; gnomAD 0.00033; TOPMed 0.00036.
gnomAD v4.1: 589 of 1,614,118 alleles (0.036%); highest among the groups gnomAD compares: Admixed American, 0.075%; no homozygotes.

Submissions (3):

Labcorp Genetics (formerly Invitae), Labcorp
Classification: Likely benign. Last evaluated: 2024-03-07. Review status: criteria provided, single submitter. Criteria: Invitae Variant Classification Sherloc (09022015). Collection method: clinical testing. Allele origin: germline.

GeneDx
Classification: Uncertain significance. Last evaluated: 2024-02-24. Review status: criteria provided, single submitter. Criteria: GeneDx Variant Classification Process June 2021. Collection method: clinical testing. Allele origin: germline. Affected: yes.
Comment: In silico analysis supports that this missense variant does not alter protein structure/function; Has not been previously published as pathogenic or benign to our knowledge

Ambry Genetics
Classification: Uncertain significance for Inborn genetic diseases. Last evaluated: 2021-07-08. Review status: criteria provided, single submitter. Criteria: Ambry Variant Classification Scheme 2023. Collection method: clinical testing. Allele origin: germline.

NM_020971.3(SPTBN4):c.931A>T (p.Ile311Leu)

Gene: SPTBN4 (spectrin beta, non-erythrocytic 4; plus strand). Cytogenetic location: 19q13.2.
Variant type: single nucleotide variant.
Coding change: c.931A>T on transcript NM_020971.3 (MANE Select); coding-DNA position 931, A replaced by T.
Protein change: p.Ile311Leu; replaces isoleucine 311 with leucine.
Molecular consequence: missense variant.
Genome position (GRCh38, 1-based): chr19:40,502,161, A>T. VCF-style: chr19-40502161-A-T. GRCh37 (hg19) VCF-style: chr19-41008068-A-T.
Other names: short protein forms I311L.
Identifiers: ClinVar variation 2077813 (VCV002077813.5), dbSNP rs144787579, ClinGen allele CA9445480.